The following is an entry in ClinVar:

ClinVar aggregate classification (germline): Uncertain significance. Review status: criteria provided, multiple submitters, no conflicts (2 of 4 stars). 2 submissions from 2 submitters: Uncertain significance (2). Last evaluated 2026-07-31.

Conditions:
Cardiovascular phenotype. Identifiers: MedGen CN230736.

Submissions (2):

Ambry Genetics
Classification: Uncertain significance for Cardiovascular phenotype. Last evaluated: 2026-07-31. Review status: criteria provided, single submitter. Criteria: Ambry Variant Classification Scheme 2023. Collection method: clinical testing. Allele origin: germline.
Comment: The p.C966G variant (also known as c.2896T>G), located in coding exon 19 of the APOB gene, results from a T to G substitution at nucleotide position 2896. The cysteine at codon 966 is replaced by glycine, an amino acid with highly dissimilar properties. This amino acid position is conserved. In addition, the in silico prediction for this alteration is inconclusive. Based on the available evidence, the clinical significance of this variant remains unclear.

GeneDx
Classification: Uncertain significance. Last evaluated: 2025-06-30. Review status: criteria provided, single submitter. Criteria: GeneDx Variant Classification Process June 2021. Collection method: clinical testing. Allele origin: germline. Affected: yes.
Comment: Not observed at significant frequency in large population cohorts (gnomAD); In silico analysis supports that this missense variant has a deleterious effect on protein structure/function; Has not been previously published as pathogenic or benign to our knowledge

NM_000384.3(APOB):c.2896T>G (p.Cys966Gly)

Gene: APOB (apolipoprotein B; minus strand). Cytogenetic location: 2p24.1.
Variant type: single nucleotide variant.
Coding change: c.2896T>G on transcript NM_000384.3 (MANE Select); coding-DNA position 2896, T replaced by G.
Protein change: p.Cys966Gly; replaces cysteine 966 with glycine.
Molecular consequence: missense variant.
Genome position (GRCh38, 1-based): chr2:21,019,826, A>C on the plus strand (T>G on the coding strand, the complement: APOB is on the minus strand). VCF-style: chr2-21019826-A-C. GRCh37 (hg19) VCF-style: chr2-21242698-A-C.
Other names: short protein forms C966G.
Identifiers: ClinVar variation 4681031 (VCV004681031.2).